The following is an entry in ClinVar:

NM_002203.4(ITGA2):c.2503A>G (p.Ser835Gly)

Gene: ITGA2 (integrin subunit alpha 2; plus strand). Cytogenetic location: 5q11.2.
Variant type: single nucleotide variant.
Coding change: c.2503A>G on transcript NM_002203.4 (MANE Select); coding-DNA position 2503, A replaced by G.
Protein change: p.Ser835Gly; replaces serine 835 with glycine.
Molecular consequence: missense variant. On other transcripts: non-coding transcript variant (4).
Genome position (GRCh38, 1-based): chr5:53,073,191, A>G. VCF-style: chr5-53073191-A-G. GRCh37 (hg19) VCF-style: chr5-52369021-A-G.
Other names: short protein forms S835G.
Identifiers: ClinVar variation 353769 (VCV000353769.5), dbSNP rs773985586, ClinGen allele CA3263214.

ClinVar aggregate classification (germline): Likely benign (1 of 4 stars; one submission).

Conditions:
Platelet-type bleeding disorder 9 (BDPLT9). Also called: GLYCOPROTEIN Ia DEFICIENCY; GP Ia DEFICIENCY; COLLAGEN PLATELET RECEPTOR DEFICIENCY. Identifiers: Orphanet 73271, Orphanet 98886, MedGen C3280114, MONDO:0013622, OMIM 614200.

Allele frequency attached by ClinVar (database versions not stated): ExAC 0.00005; gnomAD exomes 0.00006; gnomAD 0.00007 and 0.00008; TOPMed 0.00007.
gnomAD v4.1: 101 of 1,612,474 alleles (0.0063%); highest among the groups gnomAD compares: Non-Finnish European, 0.0085%; no homozygotes.

Submission:

Illumina Laboratory Services, Illumina
Classification: Likely benign for Platelet-type bleeding disorder 9. Last evaluated: 2018-01-13. Review status: criteria provided, single submitter. Criteria: ICSL Variant Classification Criteria 13 December 2019. Collection method: clinical testing. Allele origin: germline.
Comment: This variant was observed in the ICSL laboratory as part of a predisposition screen in an ostensibly healthy population. It had not been previously curated by ICSL or reported in the Human Gene Mutation Database (HGMD: prior to June 1st, 2018), and was therefore a candidate for classification through an automated scoring system. Utilizing variant allele frequency, disease prevalence and penetrance estimates, and inheritance mode, an automated score was calculated to assess if this variant is too frequent to cause the disease. Based on the score and internal cut-off values, a variant classified as likely benign is not then subjected to further curation. The score for this variant resulted in a classification of likely benign for this disease.